The following is an entry in ClinVar:

ClinVar aggregate classification (germline): Conflicting classifications of pathogenicity. Review status: criteria provided, conflicting classifications (1 of 4 stars). 3 submissions from 3 submitters: Uncertain significance (1); Likely benign (2). Last evaluated 2025-10-20.

Conditions:
Inborn genetic diseases. Identifiers: MedGen C0950123, MeSH D030342.
Epilepsy, childhood absence, susceptibility to, 1. Also called: Epilepsy, childhood absence 1. Identifiers: Orphanet 64280, MedGen C1838604, MONDO:0020759, OMIM 600131.
Epilepsy, childhood absence, susceptibility to, 5. Identifiers: Orphanet 64280, MedGen C2677087, MONDO:0012843, OMIM 612269.

Allele frequency attached by ClinVar (database versions not stated): ESP Exome Variant Server 0.00008; gnomAD exomes below 0.00001 and 0.00002; ExAC 0.00003; 1000 Genomes Project 30x 0.00031; TOPMed 0.00003; 1000 Genomes Project 0.00020; gnomAD 0.00005.
gnomAD v4.1: 14 of 1,614,182 alleles (0.00087%); highest among the groups gnomAD compares: East Asian, 0.011%; no homozygotes.

Submissions (3):

Labcorp Genetics (formerly Invitae), Labcorp
Classification: Likely benign for Epilepsy, childhood absence, susceptibility to, 5; Epilepsy, childhood absence, susceptibility to, 1. Last evaluated: 2025-10-20. Review status: criteria provided, single submitter. Criteria: Invitae Variant Classification Sherloc (09022015). Collection method: clinical testing. Allele origin: germline.

GeneDx
Classification: Uncertain significance. Last evaluated: 2024-12-01. Review status: criteria provided, single submitter. Criteria: GeneDx Variant Classification Process June 2021. Collection method: clinical testing. Allele origin: germline. Affected: yes.
Comment: Has been observed in a cohort of patients with epilepsy but neither patient specific details nor segregation were provided in this report (PMID: 27622563); In silico analysis indicates that this missense variant does not alter protein structure/function; This variant is associated with the following publications: (PMID: 27622563)

Ambry Genetics
Classification: Likely benign for Inborn genetic diseases. Last evaluated: 2021-03-09. Review status: criteria provided, single submitter. Criteria: Ambry Variant Classification Scheme 2023. Collection method: clinical testing. Allele origin: germline.

NM_000814.6(GABRB3):c.589G>A (p.Asp197Asn)

Gene: GABRB3 (gamma-aminobutyric acid type A receptor subunit beta3; minus strand). Cytogenetic location: 15q12.
Variant type: single nucleotide variant.
Coding change: c.589G>A on transcript NM_000814.6 (MANE Select); coding-DNA position 589, G replaced by A.
Protein change: p.Asp197Asn; replaces aspartic acid 197 with asparagine.
Molecular consequence: missense variant.
Genome position (GRCh38, 1-based): chr15:26,580,412, C>T on the plus strand (G>A on the coding strand, the complement: GABRB3 is on the minus strand). VCF-style: chr15-26580412-C-T. GRCh37 (hg19) VCF-style: chr15-26825559-C-T.
Other names: c.334G>A, p.Asp112Asn (NM_001191320.2, NM_001278631.2); c.376G>A, p.Asp126Asn (NM_001191321.3); c.589G>A, p.Asp197Asn (NM_021912.5); short protein forms D126N, D197N, D112N.
Identifiers: ClinVar variation 841349 (VCV000841349.12), dbSNP rs375461837, ClinGen allele CA7437403.